The following is an entry in ClinVar:

NM_002478.5(MYOD1):c.458C>G (p.Ala153Gly)

Gene: MYOD1 (myogenic differentiation 1; plus strand). Cytogenetic location: 11p15.1.
Variant type: single nucleotide variant.
Coding change: c.458C>G on transcript NM_002478.5 (MANE Select); coding-DNA position 458, C replaced by G.
Protein change: p.Ala153Gly; replaces alanine 153 with glycine.
Molecular consequence: missense variant.
Genome position (GRCh38, 1-based): chr11:17,720,240, C>G. VCF-style: chr11-17720240-C-G. GRCh37 (hg19) VCF-style: chr11-17741787-C-G.
Other names: short protein forms A153G.
Identifiers: ClinVar variation 5007849 (VCV005007849.2).

ClinVar aggregate classification (germline): Uncertain significance (1 of 4 stars; one submission).

Conditions:
Myopathy, congenital, with diaphragmatic defects, respiratory insufficiency, and dysmorphic facies. Also called: MYOPATHY, CONGENITAL, DUE TO MYOD1 DEFICIENCY; CONGENITAL MYOPATHY 17. Identifiers: MedGen C5436530, MONDO:0033548, OMIM 618975.

Submission:

Juno Genomics, Hangzhou Juno Genomics, Inc
Classification: Uncertain significance for Myopathy, congenital, with diaphragmatic defects, respiratory insufficiency, and dysmorphic facies. Review status: criteria provided, single submitter. Criteria: ACMG Guidelines, 2015. Collection method: clinical testing. Allele origin: germline.
Comment: Absent from controls (or at extremely low frequency if recessive) in Genome Aggregation Database.;Multiple lines of computational evidence support a deleterious effect on the gene or gene product.